The following is an entry in ClinVar:

NM_004100.5(EYA4):c.1394T>C (p.Leu465Pro)

Genes: TARID (TCF21 antisense RNA inducing promoter demethylation; minus strand), EYA4 (EYA transcriptional coactivator and phosphatase 4; plus strand). Cytogenetic location: 6q23.2.
Variant type: single nucleotide variant.
Coding change: c.1394T>C on transcript NM_004100.5 (MANE Select); coding-DNA position 1394, T replaced by C.
Protein change: p.Leu465Pro; replaces leucine 465 with proline.
Molecular consequence: missense variant.
Genome position (GRCh38, 1-based): chr6:133,512,931, T>C. VCF-style: chr6-133512931-T-C. GRCh37 (hg19) VCF-style: chr6-133834069-T-C.
Other names: c.1232T>C, p.Leu411Pro (NM_001301012.2); c.1412T>C, p.Leu471Pro (NM_001301013.2); c.1325T>C, p.Leu442Pro (NM_001370458.1, NM_172103.4); c.1250T>C, p.Leu417Pro (NM_001370459.1); c.1394T>C, p.Leu465Pro (NM_172105.4); short protein forms L411P, L417P, L442P, L471P, L465P.
Identifiers: ClinVar variation 941544 (VCV000941544.9), dbSNP rs1799281130, ClinGen allele CA365715114.

ClinVar aggregate classification (germline): Uncertain significance (1 of 4 stars; one submission).

Conditions:
Dilated cardiomyopathy 1J (CMD1J). Also called: CARDIOMYOPATHY, DILATED, WITH SENSORINEURAL HEARING LOSS, AUTOSOMAL DOMINANT. Identifiers: Orphanet 217622, MedGen C1854368, MONDO:0011541, OMIM 605362.

Allele frequency attached by ClinVar (database versions not stated): gnomAD exomes below 0.00001.
gnomAD v4.1: 1 of 1,614,062 alleles (0.000062%); highest among the groups gnomAD compares: Non-Finnish European, 0.000085%; no homozygotes.

Submission:

Labcorp Genetics (formerly Invitae), Labcorp
Classification: Uncertain significance for Dilated cardiomyopathy 1J. Last evaluated: 2025-10-09. Review status: criteria provided, single submitter. Criteria: Invitae Variant Classification Sherloc (09022015). Collection method: clinical testing. Allele origin: germline.
Comment: This sequence change replaces leucine, which is neutral and non-polar, with proline, which is neutral and non-polar, at codon 465 of the EYA4 protein (p.Leu465Pro). This variant is not present in population databases (gnomAD no frequency). This variant has not been reported in the literature in individuals affected with EYA4-related conditions. ClinVar contains an entry for this variant (Variation ID: 941544). Invitae Evidence Modeling of protein sequence and biophysical properties (such as structural, functional, and spatial information, amino acid conservation, physicochemical variation, residue mobility, and thermodynamic stability) indicates that this missense variant is not expected to disrupt EYA4 protein function with a negative predictive value of 80%. In summary, the available evidence is currently insufficient to determine the role of this variant in disease. Therefore, it has been classified as a Variant of Uncertain Significance.